The following is an entry in ClinVar:

NM_173076.3(ABCA12):c.4250G>A (p.Arg1417Gln)

Gene: ABCA12 (ATP binding cassette subfamily A member 12; minus strand). Cytogenetic location: 2q35.
Variant type: single nucleotide variant.
Coding change: c.4250G>A on transcript NM_173076.3 (MANE Select); coding-DNA position 4250, G replaced by A.
Protein change: p.Arg1417Gln; replaces arginine 1417 with glutamine.
Molecular consequence: missense variant. On other transcripts: non-coding transcript variant (1).
Genome position (GRCh38, 1-based): chr2:214,983,779, C>T on the plus strand (G>A on the coding strand, the complement: ABCA12 is on the minus strand). VCF-style: chr2-214983779-C-T. GRCh37 (hg19) VCF-style: chr2-215848503-C-T.
Other names: c.3296G>A, p.Arg1099Gln (NM_015657.4); short protein forms R1417Q, R1099Q.
Identifiers: ClinVar variation 898203 (VCV000898203.7), dbSNP rs78964730, ClinGen allele CA2091506.
Genomic context (GRCh38, chr2:214,983,779, plus strand): 5'-TCCTTAGTAGTGAGGTAACTGAACAAGACGTCGTGCTGCATACAGACTCCCATGTTCTTC[C>T]GTACCGTGTGTAGGTCTGTTTTGATATCTTTTCCATATACAAAAATGGTGCCTGCTGAGG-3'
Protein context (NP_775099.2, residues 1407-1427): KDIKTDLHTV[Arg1417Gln]KNMGVCMQHD

ClinVar aggregate classification (germline): Conflicting classifications of pathogenicity. Review status: criteria provided, conflicting classifications (1 of 4 stars). 2 submissions from 2 submitters: Uncertain significance (1); Benign (1). Last evaluated 2026-02-02.

Conditions:
Congenital ichthyosis of skin. Identifiers: MedGen C0020758.

Allele frequency attached by ClinVar (database versions not stated): 1000 Genomes Project 0.00020; ESP Exome Variant Server 0.00069; 1000 Genomes Project 30x 0.00016; TOPMed 0.00087.
gnomAD v4.1: 216 of 1,614,128 alleles (0.013%); highest among the groups gnomAD compares: African/African-American, 0.23%; no homozygotes.

Submissions (2):

Labcorp Genetics (formerly Invitae), Labcorp
Classification: Benign. Last evaluated: 2026-02-02. Review status: criteria provided, single submitter. Criteria: Invitae Variant Classification Sherloc (09022015). Collection method: clinical testing. Allele origin: germline.

Illumina Laboratory Services, Illumina
Classification: Uncertain significance for Congenital ichthyosis of skin. Last evaluated: 2017-07-14. Review status: criteria provided, single submitter. Criteria: ICSL Variant Classification Criteria 13 December 2019. Collection method: clinical testing. Allele origin: germline.
Comment: This variant was observed as part of a predisposition screen in an ostensibly healthy population. A literature search was performed for the gene, cDNA change, and amino acid change (where applicable). Publications were found based on this search. However, the evidence from the literature, in combination with allele frequency data from public databases where available, was not sufficient to rule this variant in or out of causing disease. Therefore, this variant is classified as a variant of unknown significance.

Literature cited by the submitters: PubMed 20849526 (cited by Illumina Laboratory Services, Illumina).